The following is an entry in ClinVar:

ClinVar aggregate classification (germline): Uncertain significance (1 of 4 stars; one submission).

gnomAD v4.1: 1 of 1,614,096 alleles (0.000062%); highest among the groups gnomAD compares: South Asian, 0.0011%; no homozygotes.

Submission:

Ambry Genetics
Classification: Uncertain significance. Last evaluated: 2025-01-30. Review status: criteria provided, single submitter. Criteria: Ambry Variant Classification Scheme 2023. Collection method: clinical testing. Allele origin: germline.
Comment: The p.T1007N variant (also known as c.3020C>A), located in coding exon 1 of the TET2 gene, results from a C to A substitution at nucleotide position 3020. The threonine at codon 1007 is replaced by asparagine, an amino acid with similar properties. This amino acid position is conserved. In addition, this alteration is predicted to be tolerated by in silico analysis. Based on the available evidence, the clinical significance of this variant remains unclear.

NM_001127208.3(TET2):c.3020C>A (p.Thr1007Asn)

Genes: TET2 (tet methylcytosine dioxygenase 2; plus strand), TET2-AS1 (TET2 antisense RNA 1; minus strand). Cytogenetic location: 4q24.
Variant type: single nucleotide variant.
Coding change: c.3020C>A on transcript NM_001127208.3 (MANE Select); coding-DNA position 3020, C replaced by A.
Protein change: p.Thr1007Asn; replaces threonine 1007 with asparagine.
Molecular consequence: missense variant.
Genome position (GRCh38, 1-based): chr4:105,236,962, C>A. VCF-style: chr4-105236962-C-A. GRCh37 (hg19) VCF-style: chr4-106158119-C-A.
Other names: c.3020C>A, p.Thr1007Asn (NM_017628.4); short protein forms T1007N.
Identifiers: ClinVar variation 3806014 (VCV003806014.1).
Genomic context (GRCh38, chr4:105,236,962, plus strand): 5'-GCAAGCCACATGCCTGTATGCACACAGCACCACCAGAAAACAAAACATGGAAAAAGGTAA[C>A]TAAGCAAGAGAATCCACCTGCAAGCTGTGATAATGTGCAGCAAAAGAGCATCATTGAGAC-3'
Protein context (NP_001120680.1, residues 997-1017): PPENKTWKKV[Thr1007Asn]KQENPPASCD